The following is an entry in ClinVar:

ClinVar aggregate classification (germline): Uncertain significance (1 of 4 stars; one submission).

Conditions:
Early-onset Parkinson disease 20. Also called: PARKINSON DISEASE 20, AUTOSOMAL RECESSIVE EARLY-ONSET. Identifiers: Orphanet 391411, MedGen C3809824, MONDO:0014233, OMIM 615530.
Developmental and epileptic encephalopathy, 53. Also called: Epileptic encephalopathy, early infantile, 53. Identifiers: MedGen C4479313, MONDO:0033362, OMIM 617389.

Allele frequency attached by ClinVar (database versions not stated): gnomAD exomes below 0.00001 and 0.00001; ExAC 0.00001; gnomAD 0.00001; TOPMed 0.00001.
gnomAD v4.1: 3 of 1,614,008 alleles (0.00019%); highest among the groups gnomAD compares: Admixed American, 0.005%; no homozygotes.

Submission:

Labcorp Genetics (formerly Invitae), Labcorp
Classification: Uncertain significance for Developmental and epileptic encephalopathy, 53; Early-onset Parkinson disease 20. Last evaluated: 2025-06-20. Review status: criteria provided, single submitter. Criteria: Invitae Variant Classification Sherloc (09022015). Collection method: clinical testing. Allele origin: germline.
Comment: This sequence change replaces cysteine, which is neutral and slightly polar, with glycine, which is neutral and non-polar, at codon 723 of the SYNJ1 protein (p.Cys723Gly). This variant is present in population databases (rs751110096, gnomAD 0.009%). This variant has not been reported in the literature in individuals affected with SYNJ1-related conditions. ClinVar contains an entry for this variant (Variation ID: 1000814). Invitae Evidence Modeling of protein sequence and biophysical properties (such as structural, functional, and spatial information, amino acid conservation, physicochemical variation, residue mobility, and thermodynamic stability) indicates that this missense variant is expected to disrupt SYNJ1 protein function with a positive predictive value of 80%. In summary, the available evidence is currently insufficient to determine the role of this variant in disease. Therefore, it has been classified as a Variant of Uncertain Significance.

NM_203446.3(SYNJ1):c.2050T>G (p.Cys684Gly)

Gene: SYNJ1 (synaptojanin 1; minus strand). Cytogenetic location: 21q22.11.
Variant type: single nucleotide variant.
Coding change: c.2050T>G on transcript NM_203446.3 (MANE Select); coding-DNA position 2050, T replaced by G.
Protein change: p.Cys684Gly; replaces cysteine 684 with glycine.
Molecular consequence: missense variant.
Genome position (GRCh38, 1-based): chr21:32,666,038, A>C on the plus strand (T>G on the coding strand, the complement: SYNJ1 is on the minus strand). VCF-style: chr21-32666038-A-C. GRCh37 (hg19) VCF-style: chr21-34038348-A-C.
Other names: c.2050T>G, p.Cys684Gly (NM_001160302.2); c.2035T>G, p.Cys679Gly (NM_001160306.2); c.2167T>G, p.Cys723Gly (NM_003895.4); short protein forms C679G, C684G, C723G.
Identifiers: ClinVar variation 1000814 (VCV001000814.6), dbSNP rs751110096, ClinGen allele CA10003750.